The following is an entry in ClinVar:

ClinVar aggregate classification (germline): Uncertain significance (1 of 4 stars; one submission).

Conditions:
Cardiovascular phenotype. Identifiers: MedGen CN230736.

gnomAD v4.1: 4 of 1,613,748 alleles (0.00025%); highest among the groups gnomAD compares: East Asian, 0.0022%; no homozygotes.

Submission:

Ambry Genetics
Classification: Uncertain significance for Cardiovascular phenotype. Last evaluated: 2025-07-28. Review status: criteria provided, single submitter. Criteria: Ambry Variant Classification Scheme 2023. Collection method: clinical testing. Allele origin: germline.
Comment: The p.I252V variant (also known as c.754A>G), located in coding exon 6 of the LIPA gene, results from an A to G substitution at nucleotide position 754. The isoleucine at codon 252 is replaced by valine, an amino acid with highly similar properties. This amino acid position is conserved. In addition, this alteration is predicted to be tolerated by in silico analysis. Based on the available evidence, the clinical significance of this variant remains unclear.

NM_000235.4(LIPA):c.754A>G (p.Ile252Val)

Gene: LIPA (lipase A, lysosomal acid type; minus strand). Cytogenetic location: 10q23.31.
Variant type: single nucleotide variant.
Coding change: c.754A>G on transcript NM_000235.4 (MANE Select); coding-DNA position 754, A replaced by G.
Protein change: p.Ile252Val; replaces isoleucine 252 with valine.
Molecular consequence: missense variant.
Genome position (GRCh38, 1-based): chr10:89,223,752, T>C on the plus strand (A>G on the coding strand, the complement: LIPA is on the minus strand). VCF-style: chr10-89223752-T-C. GRCh37 (hg19) VCF-style: chr10-90983509-T-C.
Other names: c.754A>G, p.Ile252Val (NM_001127605.3, NM_001440818.1, NM_001440819.1 and 16 more transcripts); c.406A>G, p.Ile136Val (NM_001288979.2); c.886A>G, p.Ile296Val (NM_001440836.1); c.775A>G, p.Ile259Val (NM_001440837.1); c.769A>G, p.Ile257Val (NM_001440838.1); c.586A>G, p.Ile196Val (NM_001440839.1); short protein forms I252V, I259V, I136V, I257V, I296V, I196V.
Identifiers: ClinVar variation 4098205 (VCV004098205.1).